The following is an entry in ClinVar:

NM_000465.4(BARD1):c.1774C>T (p.Leu592Phe)

Gene: BARD1 (BRCA1 associated RING domain 1; minus strand). Cytogenetic location: 2q35.
Variant type: single nucleotide variant.
Coding change: c.1774C>T on transcript NM_000465.4 (MANE Select); coding-DNA position 1774, C replaced by T.
Protein change: p.Leu592Phe; replaces leucine 592 with phenylalanine.
Molecular consequence: missense variant. On other transcripts: non-coding transcript variant (3), intron variant (1).
Genome position (GRCh38, 1-based): chr2:214,745,758, G>A on the plus strand (C>T on the coding strand, the complement: BARD1 is on the minus strand). VCF-style: chr2-214745758-G-A. GRCh37 (hg19) VCF-style: chr2-215610482-G-A.
Other names: c.1717C>T, p.Leu573Phe (NM_001282543.2); c.421C>T, p.Leu141Phe (NM_001282545.2); c.364C>T, p.Leu122Phe (NM_001282548.2); c.365-15250C>T (NM_001282549.2); short protein forms L122F, L573F, L141F, L592F.
Identifiers: ClinVar variation 820035 (VCV000820035.11), dbSNP rs1574739070, ClinGen allele CA350452761.

ClinVar aggregate classification (germline): Uncertain significance. Review status: criteria provided, multiple submitters, no conflicts (2 of 4 stars). 3 submissions from 3 submitters: Uncertain significance (3). Last evaluated 2022-02-15.

Conditions:
Familial cancer of breast. Also called: BREAST CANCER, FAMILIAL; Hereditary breast cancer; hereditary breast carcinoma. Identifiers: Orphanet 227535, MedGen C0346153, MONDO:0016419, OMIM 114480. Disease mechanism: loss of function.
Hereditary cancer-predisposing syndrome. Also called: Neoplastic Syndromes, Hereditary; Tumor predisposition; Hereditary Cancer Syndrome; Hereditary neoplastic syndrome. Identifiers: Orphanet 140162, MedGen C0027672, MeSH D009386, MONDO:0015356.

Submissions (3):

Sema4
Classification: Uncertain significance for Hereditary cancer-predisposing syndrome. Last evaluated: 2022-02-15. Review status: criteria provided, single submitter. Criteria: Sema4 Curation Guidelines. Collection method: curation. Allele origin: germline.
Comment: The BARD1 c.1774C>T (p.L592F) variant has not been reported in the literature to our knowledge. It was not observed in the large and broad cohorts of the Genome Aggregation Database (PMID: 32461654). The variant has been reported in ClinVar (Variation ID 820035). Functional studies have not been performed, and in silico predictions of the variant's effect on protein function are inconclusive. The evidence is insufficient to meet ACMG/AMP criteria for classifying the variant as benign or pathogenic. Thus, the clinical significance of this variant is currently uncertain.

Labcorp Genetics (formerly Invitae), Labcorp
Classification: Uncertain significance for Familial cancer of breast. Last evaluated: 2021-10-21. Review status: criteria provided, single submitter. Criteria: Invitae Variant Classification Sherloc (09022015). Collection method: clinical testing. Allele origin: germline.
Comment: Algorithms developed to predict the effect of missense changes on protein structure and function are either unavailable or do not agree on the potential impact of this missense change (SIFT: "Deleterious"; PolyPhen-2: "Probably Damaging"; Align-GVGD: "Class C15"). In summary, the available evidence is currently insufficient to determine the role of this variant in disease. Therefore, it has been classified as a Variant of Uncertain Significance. ClinVar contains an entry for this variant (Variation ID: 820035). This variant has not been reported in the literature in individuals affected with BARD1-related conditions. This variant is not present in population databases (ExAC no frequency). This sequence change replaces leucine with phenylalanine at codon 592 of the BARD1 protein (p.Leu592Phe). The leucine residue is highly conserved and there is a small physicochemical difference between leucine and phenylalanine.

Ambry Genetics
Classification: Uncertain significance for Hereditary cancer-predisposing syndrome. Last evaluated: 2018-02-23. Review status: criteria provided, single submitter. Criteria: Ambry Variant Classification Scheme 2023. Collection method: clinical testing. Allele origin: germline.
Comment: The p.L592F variant (also known as c.1774C>T), located in coding exon 8 of the BARD1 gene, results from a C to T substitution at nucleotide position 1774. The leucine at codon 592 is replaced by phenylalanine, an amino acid with highly similar properties. This amino acid position is highly conserved in available vertebrate species. In addition, the in silico prediction for this alteration is inconclusive. Since supporting evidence is limited at this time, the clinical significance of this alteration remains unclear.